The following is an entry in ClinVar:

NM_001394062.1(MACF1):c.15005C>G (p.Thr5002Arg)

Genes: MACF1 (microtubule actin crosslinking factor 1; plus strand), LOC114803468 (MACF1 eExon liver enhancer; plus strand). Cytogenetic location: 1p34.3.
Variant type: single nucleotide variant.
Coding change: c.15005C>G on transcript NM_001394062.1 (MANE Select); coding-DNA position 15005, C replaced by G.
Protein change: p.Thr5002Arg; replaces threonine 5002 with arginine.
Molecular consequence: missense variant.
Genome position (GRCh38, 1-based): chr1:39,387,847, C>G. VCF-style: chr1-39387847-C-G. GRCh37 (hg19) VCF-style: chr1-39853519-C-G.
Other names: c.8819C>G, p.Thr2940Arg (NM_012090.5); short protein forms T2940R, T5002R.
Identifiers: ClinVar variation 1690530 (VCV001690530.2), dbSNP rs1641863660, ClinGen allele CA339742827.

ClinVar aggregate classification (germline): Uncertain significance (1 of 4 stars; one submission).

Allele frequency attached by ClinVar (database versions not stated): gnomAD exomes below 0.00001.
gnomAD v4.1: 2 of 1,614,042 alleles (0.00012%); highest among the groups gnomAD compares: Non-Finnish European, 0.00017%; no homozygotes.

Submission:

Laboratorio de Genetica e Diagnostico Molecular, Hospital Israelita Albert Einstein
Classification: Uncertain significance. Last evaluated: 2021-12-27. Review status: criteria provided, single submitter. Criteria: ACMG Guidelines, 2015. Collection method: clinical testing. Allele origin: germline. Affected: yes.
Comment: ACMG classification criteria: PM2, BP4